The following is an entry in ClinVar:

NM_001099922.3(ALG13):c.2616A>G (p.Gln872=)

Gene: ALG13 (ALG13 UDP-N-acetylglucosaminyltransferase subunit; plus strand). Cytogenetic location: Xq23.
Variant type: single nucleotide variant.
Coding change: c.2616A>G on transcript NM_001099922.3 (MANE Select); coding-DNA position 2616, A replaced by G.
Protein change: p.Gln872=; no amino-acid change (glutamine 872 retained).
Molecular consequence: synonymous variant. On other transcripts: non-coding transcript variant (1).
Genome position (GRCh38, 1-based): chrX:111,736,800, A>G. VCF-style: chrX-111736800-A-G. GRCh37 (hg19) VCF-style: chrX-110980028-A-G.
Other names: c.2304A>G, p.Gln768= (NM_001257234.2, NM_001257237.2, NM_001257230.2); c.2616A>G, p.Gln872= (NM_001324292.2); c.2130A>G, p.Gln710= (NM_001324293.1); c.2382A>G, p.Gln794= (NM_001257231.2).
Identifiers: ClinVar variation 698321 (VCV000698321.10), dbSNP rs764400701, ClinGen allele CA10493945.

ClinVar aggregate classification (germline): Benign/Likely benign. Review status: criteria provided, multiple submitters, no conflicts (2 of 4 stars). 3 submissions from 3 submitters: Benign (1); Likely benign (2). Last evaluated 2026-09-01.

Conditions:
Developmental and epileptic encephalopathy, 36 (DEE36). Also called: Congenital disorder of glycosylation, type Is; Epileptic encephalopathy, early infantile, 36; ALG13-CDG. Identifiers: Orphanet 324422, MedGen C4317295, MONDO:0010472, OMIM 300884.

Allele frequency attached by ClinVar (database versions not stated): gnomAD exomes 0.00003 and 0.00004; gnomAD 0.00004; TOPMed 0.00004; ExAC 0.00005.
gnomAD v4.1: 46 of 1,208,470 alleles (0.0038%); highest among the groups gnomAD compares: Admixed American, 0.0088%; no homozygotes.

Submissions (3):

CeGaT Center for Human Genetics Tuebingen
Classification: Likely benign. Last evaluated: 2026-09-01. Review status: criteria provided, single submitter. Criteria: CeGaT Center For Human Genetics Tuebingen Variant Classification Criteria Version 2. Collection method: clinical testing. Allele origin: germline. Affected: yes. Observed: 1 variant allele.
Comment: ALG13: BP4, BS2

Labcorp Genetics (formerly Invitae), Labcorp
Classification: Benign for Developmental and epileptic encephalopathy, 36. Last evaluated: 2026-01-19. Review status: criteria provided, single submitter. Criteria: Invitae Variant Classification Sherloc (09022015). Collection method: clinical testing. Allele origin: germline.

Blueprint Genetics
Classification: Likely benign. Last evaluated: 2023-05-31. Review status: criteria provided, single submitter. Criteria: ACMG Guidelines, 2015. Collection method: clinical testing. Allele origin: germline.